The following is an entry in ClinVar:

ClinVar aggregate classification (germline): Uncertain significance (1 of 4 stars; one submission).

Allele frequency attached by ClinVar (database versions not stated): TOPMed below 0.00001; gnomAD 0.00001.
gnomAD v4.1: 1 of 1,613,946 alleles (0.000062%); highest among the groups gnomAD compares: Non-Finnish European, 0.000085%; no homozygotes.

Submission:

Labcorp Genetics (formerly Invitae), Labcorp
Classification: Uncertain significance. Last evaluated: 2023-06-09. Review status: criteria provided, single submitter. Criteria: Invitae Variant Classification Sherloc (09022015). Collection method: clinical testing. Allele origin: germline.
Comment: In summary, the available evidence is currently insufficient to determine the role of this variant in disease. Therefore, it has been classified as a Variant of Uncertain Significance. Advanced modeling of protein sequence and biophysical properties (such as structural, functional, and spatial information, amino acid conservation, physicochemical variation, residue mobility, and thermodynamic stability) performed at Invitae indicates that this missense variant is not expected to disrupt COL4A4 protein function. This variant has not been reported in the literature in individuals affected with COL4A4-related conditions. This variant is not present in population databases (gnomAD no frequency). This sequence change replaces proline, which is neutral and non-polar, with serine, which is neutral and polar, at codon 1117 of the COL4A4 protein (p.Pro1117Ser).

NM_000092.5(COL4A4):c.3349C>T (p.Pro1117Ser)

Gene: COL4A4 (collagen type IV alpha 4 chain; minus strand). Cytogenetic location: 2q36.3.
Variant type: single nucleotide variant.
Coding change: c.3349C>T on transcript NM_000092.5 (MANE Select); coding-DNA position 3349, C replaced by T.
Protein change: p.Pro1117Ser; replaces proline 1117 with serine.
Molecular consequence: missense variant.
Genome position (GRCh38, 1-based): chr2:227,043,125, G>A on the plus strand (C>T on the coding strand, the complement: COL4A4 is on the minus strand). VCF-style: chr2-227043125-G-A. GRCh37 (hg19) VCF-style: chr2-227907841-G-A.
Other names: short protein forms P1117S.
Identifiers: ClinVar variation 3001090 (VCV003001090.3), dbSNP rs1971792084, ClinGen allele CA350838476.